The following is an entry in ClinVar:

NM_025114.4(CEP290):c.574G>C (p.Glu192Gln)

Gene: CEP290 (centrosomal protein 290; minus strand). Cytogenetic location: 12q21.32.
Variant type: single nucleotide variant.
Coding change: c.574G>C on transcript NM_025114.4 (MANE Select); coding-DNA position 574, G replaced by C.
Protein change: p.Glu192Gln; replaces glutamic acid 192 with glutamine.
Molecular consequence: missense variant.
Genome position (GRCh38, 1-based): chr12:88,130,363, C>G on the plus strand (G>C on the coding strand, the complement: CEP290 is on the minus strand). VCF-style: chr12-88130363-C-G. GRCh37 (hg19) VCF-style: chr12-88524140-C-G.
Other names: short protein forms E192Q.
Identifiers: ClinVar variation 4977089 (VCV004977089.1).

ClinVar aggregate classification (germline): Uncertain significance (1 of 4 stars; one submission).

Conditions:
CEP290-related disorder. Also called: CEP290-related disorders; CEP290-related condition. Identifiers: MedGen CN239314.

Submission:

PreventionGenetics, part of Exact Sciences
Classification: Uncertain significance for CEP290-related condition. Last evaluated: 2026-01-30. Review status: criteria provided, single submitter. Criteria: ACMG Guidelines, 2015. Collection method: clinical testing. Allele origin: germline.
Comment: The CEP290 c.574G>C variant is predicted to result in the amino acid substitution p.Glu192Gln. To our knowledge, this variant has not been reported in the literature or in a large population database (gnomAD), indicating this variant is rare. At this time, the clinical significance of this variant is uncertain due to the absence of conclusive functional and genetic evidence.